The following is an entry in ClinVar:

NM_177438.3(DICER1):c.875A>G (p.Glu292Gly)

Gene: DICER1 (dicer 1, ribonuclease III; minus strand). Cytogenetic location: 14q32.13.
Variant type: single nucleotide variant.
Coding change: c.875A>G on transcript NM_177438.3 (MANE Select); coding-DNA position 875, A replaced by G.
Protein change: p.Glu292Gly; replaces glutamic acid 292 with glycine.
Molecular consequence: missense variant. On other transcripts: 5 prime UTR variant (1), non-coding transcript variant (6).
Genome position (GRCh38, 1-based): chr14:95,126,608, T>C on the plus strand (A>G on the coding strand, the complement: DICER1 is on the minus strand). VCF-style: chr14-95126608-T-C. GRCh37 (hg19) VCF-style: chr14-95592945-T-C.
Other names: c.875A>G, p.Glu292Gly (NM_001195573.1, NM_001271282.3, NM_001291628.2 and 15 more transcripts); c.593A>G, p.Glu198Gly (NM_001395686.1); c.470A>G, p.Glu157Gly (NM_001395687.1, NM_001395688.1, NM_001395689.1 and 3 more transcripts); c.308A>G, p.Glu103Gly (NM_001395691.1); c.-694A>G (NM_001395697.1); short protein forms E157G, E103G, E198G, E292G.
Identifiers: ClinVar variation 2451707 (VCV002451707.4), dbSNP rs1893479937, ClinGen allele CA390887477.

ClinVar aggregate classification (germline): Uncertain significance. Review status: criteria provided, multiple submitters, no conflicts (2 of 4 stars). 2 submissions from 2 submitters: Uncertain significance (2). Last evaluated 2024-09-10.

Conditions:
Hereditary cancer-predisposing syndrome. Also called: Hereditary neoplastic syndrome; Tumor predisposition; Neoplastic Syndromes, Hereditary; Hereditary Cancer Syndrome. Identifiers: Orphanet 140162, MedGen C0027672, MeSH D009386, MONDO:0015356.
DICER1-related tumor predisposition. Also called: DICER1 syndrome; DICER1-related pleuropulmonary blastoma cancer predisposition syndrome. Identifiers: Orphanet 284343, MedGen C3839822, MONDO:0100216.

Submissions (2):

Labcorp Genetics (formerly Invitae), Labcorp
Classification: Uncertain significance for DICER1-related tumor predisposition. Last evaluated: 2024-09-10. Review status: criteria provided, single submitter. Criteria: Invitae Variant Classification Sherloc (09022015). Collection method: clinical testing. Allele origin: germline.
Comment: This sequence change replaces glutamic acid, which is acidic and polar, with glycine, which is neutral and non-polar, at codon 292 of the DICER1 protein (p.Glu292Gly). This variant is not present in population databases (gnomAD no frequency). This variant has not been reported in the literature in individuals affected with DICER1-related conditions. ClinVar contains an entry for this variant (Variation ID: 2451707). Invitae Evidence Modeling of protein sequence and biophysical properties (such as structural, functional, and spatial information, amino acid conservation, physicochemical variation, residue mobility, and thermodynamic stability) indicates that this missense variant is not expected to disrupt DICER1 protein function with a negative predictive value of 80%. In summary, the available evidence is currently insufficient to determine the role of this variant in disease. Therefore, it has been classified as a Variant of Uncertain Significance.

Ambry Genetics
Classification: Uncertain significance for Hereditary cancer-predisposing syndrome. Last evaluated: 2023-01-07. Review status: criteria provided, single submitter. Criteria: Ambry Variant Classification Scheme 2023. Collection method: clinical testing. Allele origin: germline.
Comment: The p.E292G variant (also known as c.875A>G), located in coding exon 6 of the DICER1 gene, results from an A to G substitution at nucleotide position 875. The glutamic acid at codon 292 is replaced by glycine, an amino acid with similar properties. This amino acid position is conserved. In addition, the in silico prediction for this alteration is inconclusive. Since supporting evidence is limited at this time, the clinical significance of this alteration remains unclear.